The following is an entry in ClinVar:

ClinVar aggregate classification (germline): Pathogenic (1 of 4 stars; one submission).
ClinVar aggregate classification (oncogenicity): Likely oncogenic (1 of 4 stars; one submission).

Conditions:
Gorlin syndrome. Also called: Nevoid Basal Cell Carcinoma Syndrome; Basal cell nevus syndrome. Identifiers: Orphanet 377, MedGen C0004779, MONDO:0007187.
Neoplasm. Also called: Neoplasms; Neoplasm (disease); tumor. Identifiers: MedGen C0027651, MeSH D009369, MONDO:0005070, HP:0002664.

Submissions (2):

Center for Genomic Medicine, Rigshospitalet, Copenhagen University Hospital
Classification: Likely oncogenic for Neoplasm. Last evaluated: 2025-12-29. Review status: criteria provided, single submitter. Criteria: ClinGen/CGC/VICC Guidelines for Oncogenicity, 2022. Collection method: clinical testing. Allele origin: somatic. Affected: yes.

Labcorp Genetics (formerly Invitae), Labcorp
Classification: Pathogenic for Gorlin syndrome. Last evaluated: 2019-04-18. Review status: criteria provided, single submitter. Criteria: Invitae Variant Classification Sherloc (09022015). Collection method: clinical testing. Allele origin: germline.
Comment: This sequence change creates a premature translational stop signal (p.Trp1018*) in the PTCH1 gene. It is expected to result in an absent or disrupted protein product. This variant is not present in population databases (ExAC no frequency). This nonsense change has been observed in an individual affected with basal cell nevus syndrome (PMID: 16909134). Loss-of-function variants in PTCH1 are known to be pathogenic (PMID: 16301862, 16419085). For these reasons, this variant has been classified as Pathogenic.

Literature cited by the submitters: PubMed 16909134 (cited by Labcorp Genetics (formerly Invitae), Labcorp); PubMed 16301862 (cited by Labcorp Genetics (formerly Invitae), Labcorp); PubMed 16419085 (cited by Labcorp Genetics (formerly Invitae), Labcorp).

NM_000264.5(PTCH1):c.3054G>A (p.Trp1018Ter)

Gene: PTCH1 (patched 1; minus strand). Cytogenetic location: 9q22.32.
Variant type: single nucleotide variant.
Coding change: c.3054G>A on transcript NM_000264.5 (MANE Select); coding-DNA position 3054, G replaced by A.
Protein change: p.Trp1018Ter; replaces tryptophan 1018 with a stop codon.
Molecular consequence: nonsense. On other transcripts: non-coding transcript variant (1).
Genome position (GRCh38, 1-based): chr9:95,458,127, C>T on the plus strand (G>A on the coding strand, the complement: PTCH1 is on the minus strand). VCF-style: chr9-95458127-C-T. GRCh37 (hg19) VCF-style: chr9-98220409-C-T.
Other names: c.2856G>A, p.Trp952Ter (NM_001083602.3); c.3051G>A, p.Trp1017Ter (NM_001083603.3); c.2601G>A, p.Trp867Ter (NM_001083604.3, NM_001083605.3, NM_001083606.3 and 1 more transcripts); c.2898G>A, p.Trp966Ter (NM_001354918.2); short protein forms W867*, W1018*, W952*, W1017*, W966*.
Identifiers: ClinVar variation 853524 (VCV000853524.11), dbSNP rs1839115028, ClinGen allele CA374112489.